The following is an entry in ClinVar:

NM_002941.4(ROBO1):c.4557C>G (p.Asp1519Glu)

Gene: ROBO1 (roundabout guidance receptor 1; minus strand). Cytogenetic location: 3p12.3.
Variant type: single nucleotide variant.
Coding change: c.4557C>G on transcript NM_002941.4 (MANE Select); coding-DNA position 4557, C replaced by G.
Protein change: p.Asp1519Glu; replaces aspartic acid 1519 with glutamic acid.
Molecular consequence: missense variant.
Genome position (GRCh38, 1-based): chr3:78,606,920, G>C on the plus strand (C>G on the coding strand, the complement: ROBO1 is on the minus strand). VCF-style: chr3-78606920-G-C. GRCh37 (hg19) VCF-style: chr3-78656070-G-C.
Other names: c.4257C>G, p.Asp1419Glu (NM_001145845.2); c.4422C>G, p.Asp1474Glu (NM_133631.4); short protein forms D1419E, D1474E, D1519E.
Identifiers: ClinVar variation 4747983 (VCV004747983.1).

ClinVar aggregate classification (germline): Uncertain significance (1 of 4 stars; one submission).

Submission:

Labcorp Genetics (formerly Invitae), Labcorp
Classification: Uncertain significance. Last evaluated: 2025-10-13. Review status: criteria provided, single submitter. Criteria: Invitae Variant Classification Sherloc (09022015). Collection method: clinical testing. Allele origin: germline.
Comment: This sequence change replaces aspartic acid, which is acidic and polar, with glutamic acid, which is acidic and polar, at codon 1519 of the ROBO1 protein (p.Asp1519Glu). This variant is not present in population databases (gnomAD no frequency). This variant has not been reported in the literature in individuals affected with ROBO1-related conditions. Invitae Evidence Modeling of protein sequence and biophysical properties (such as structural, functional, and spatial information, amino acid conservation, physicochemical variation, residue mobility, and thermodynamic stability) indicates that this missense variant is not expected to disrupt ROBO1 protein function with a negative predictive value of 95%. In summary, the available evidence is currently insufficient to determine the role of this variant in disease. Therefore, it has been classified as a Variant of Uncertain Significance.